The following is an entry in ClinVar:

NM_001903.5(CTNNA1):c.164C>T (p.Ser55Phe)

Gene: CTNNA1 (catenin alpha 1; plus strand). Cytogenetic location: 5q31.2.
Variant type: single nucleotide variant.
Coding change: c.164C>T on transcript NM_001903.5 (MANE Select); coding-DNA position 164, C replaced by T.
Protein change: p.Ser55Phe; replaces serine 55 with phenylalanine.
Molecular consequence: missense variant. On other transcripts: 5 prime UTR variant (1), intron variant (1).
Genome position (GRCh38, 1-based): chr5:138,783,235, C>T. VCF-style: chr5-138783235-C-T. GRCh37 (hg19) VCF-style: chr5-138118924-C-T.
Other names: c.164C>T, p.Ser55Phe (NM_001290307.3, NM_001323982.2, NM_001323983.1 and 3 more transcripts); c.-43C>T (NM_001290310.3); c.-9+1206C>T (NM_001290309.3); c.164C>T (NM_001903.2); short protein forms S55F.
Identifiers: ClinVar variation 1719270 (VCV001719270.6), dbSNP rs756329640, ClinGen allele CA361477384.

ClinVar aggregate classification (germline): Uncertain significance. Review status: criteria provided, multiple submitters, no conflicts (2 of 4 stars). 2 submissions from 2 submitters: Uncertain significance (2). Last evaluated 2023-11-03.

Conditions:
Hereditary cancer-predisposing syndrome. Also called: Hereditary neoplastic syndrome; Neoplastic Syndromes, Hereditary; Hereditary Cancer Syndrome; Tumor predisposition. Identifiers: Orphanet 140162, MedGen C0027672, MeSH D009386, MONDO:0015356.

gnomAD v4.1: 1 of 1,614,052 alleles (0.000062%); no homozygotes.

Submissions (2):

Ambry Genetics
Classification: Uncertain significance for Hereditary cancer-predisposing syndrome. Last evaluated: 2023-11-03. Review status: criteria provided, single submitter. Criteria: Ambry Variant Classification Scheme 2023. Collection method: clinical testing. Allele origin: germline.
Comment: The p.S55F variant (also known as c.164C>T), located in coding exon 2 of the CTNNA1 gene, results from a C to T substitution at nucleotide position 164. The serine at codon 55 is replaced by phenylalanine, an amino acid with highly dissimilar properties. This amino acid position is conserved. In addition, the in silico prediction for this alteration is inconclusive. Since supporting evidence is limited at this time, the clinical significance of this alteration remains unclear.

Labcorp Genetics (formerly Invitae), Labcorp
Classification: Uncertain significance. Last evaluated: 2022-09-12. Review status: criteria provided, single submitter. Criteria: Invitae Variant Classification Sherloc (09022015). Collection method: clinical testing. Allele origin: germline.
Comment: This variant is present in population databases (no rsID available, gnomAD 0.003%). This sequence change replaces serine, which is neutral and polar, with phenylalanine, which is neutral and non-polar, at codon 55 of the CTNNA1 protein (p.Ser55Phe). This variant has not been reported in the literature in individuals affected with CTNNA1-related conditions. Advanced modeling of protein sequence and biophysical properties (such as structural, functional, and spatial information, amino acid conservation, physicochemical variation, residue mobility, and thermodynamic stability) has been performed at Invitae for this missense variant, however the output from this modeling did not meet the statistical confidence thresholds required to predict the impact of this variant on CTNNA1 protein function. In summary, the available evidence is currently insufficient to determine the role of this variant in disease. Therefore, it has been classified as a Variant of Uncertain Significance.